The following is an entry in ClinVar:

NM_001447.3(FAT2):c.1787A>G (p.Asn596Ser)

Gene: FAT2 (FAT atypical cadherin 2; minus strand). Cytogenetic location: 5q33.1.
Variant type: single nucleotide variant.
Coding change: c.1787A>G on transcript NM_001447.3 (MANE Select); coding-DNA position 1787, A replaced by G.
Protein change: p.Asn596Ser; replaces asparagine 596 with serine.
Molecular consequence: missense variant.
Genome position (GRCh38, 1-based): chr5:151,567,145, T>C on the plus strand (A>G on the coding strand, the complement: FAT2 is on the minus strand). VCF-style: chr5-151567145-T-C. GRCh37 (hg19) VCF-style: chr5-150946706-T-C.
Other names: short protein forms N596S.
Identifiers: ClinVar variation 2080725 (VCV002080725.4), dbSNP rs148206242, ClinGen allele CA3522190.

ClinVar aggregate classification (germline): Uncertain significance (1 of 4 stars; one submission).

Allele frequency attached by ClinVar (database versions not stated): gnomAD 0.00003; ESP Exome Variant Server 0.00008; TOPMed 0.00008; ExAC 0.00009; gnomAD exomes 0.00003.
gnomAD v4.1: 42 of 1,614,064 alleles (0.0026%); highest among the groups gnomAD compares: Admixed American, 0.07%; no homozygotes.

Submission:

Labcorp Genetics (formerly Invitae), Labcorp
Classification: Uncertain significance. Last evaluated: 2024-04-24. Review status: criteria provided, single submitter. Criteria: Invitae Variant Classification Sherloc (09022015). Collection method: clinical testing. Allele origin: germline.
Comment: This sequence change replaces asparagine, which is neutral and polar, with serine, which is neutral and polar, at codon 596 of the FAT2 protein (p.Asn596Ser). This variant is present in population databases (rs148206242, gnomAD 0.09%), and has an allele count higher than expected for a pathogenic variant. This variant has not been reported in the literature in individuals affected with FAT2-related conditions. ClinVar contains an entry for this variant (Variation ID: 2080725). Advanced modeling of protein sequence and biophysical properties (such as structural, functional, and spatial information, amino acid conservation, physicochemical variation, residue mobility, and thermodynamic stability) performed at Invitae indicates that this missense variant is not expected to disrupt FAT2 protein function with a negative predictive value of 80%. In summary, the available evidence is currently insufficient to determine the role of this variant in disease. Therefore, it has been classified as a Variant of Uncertain Significance.